The following is an entry in ClinVar:

ClinVar aggregate classification (germline): Uncertain significance (1 of 4 stars; one submission).

Allele frequency attached by ClinVar (database versions not stated): gnomAD exomes below 0.00001; ExAC 0.00001.
gnomAD v4.1: 4 of 1,613,800 alleles (0.00025%); highest among the groups gnomAD compares: South Asian, 0.0022%; no homozygotes.

Submission:

Labcorp Genetics (formerly Invitae), Labcorp
Classification: Uncertain significance. Last evaluated: 2022-07-02. Review status: criteria provided, single submitter. Criteria: Invitae Variant Classification Sherloc (09022015). Collection method: clinical testing. Allele origin: germline.
Comment: Algorithms developed to predict the effect of missense changes on protein structure and function are either unavailable or do not agree on the potential impact of this missense change (SIFT: "Tolerated"; PolyPhen-2: "Possibly Damaging"; Align-GVGD: "Class C0"). In summary, the available evidence is currently insufficient to determine the role of this variant in disease. Therefore, it has been classified as a Variant of Uncertain Significance. This variant has not been reported in the literature in individuals affected with TRAK1-related conditions. The frequency data for this variant in the population databases is considered unreliable, as metrics indicate poor data quality at this position in the gnomAD database. This sequence change replaces arginine, which is basic and polar, with histidine, which is basic and polar, at codon 362 of the TRAK1 protein (p.Arg362His).

NM_001042646.3(TRAK1):c.1085G>A (p.Arg362His)

Genes: TRAK1 (trafficking kinesin protein 1; plus strand), LOC129936554 (ATAC-STARR-seq lymphoblastoid active region 19739; plus strand). Cytogenetic location: 3p22.1.
Variant type: single nucleotide variant.
Coding change: c.1085G>A on transcript NM_001042646.3 (MANE Select); coding-DNA position 1085, G replaced by A.
Protein change: p.Arg362His; replaces arginine 362 with histidine.
Molecular consequence: missense variant. On other transcripts: non-coding transcript variant (1).
Genome position (GRCh38, 1-based): chr3:42,194,913, G>A. VCF-style: chr3-42194913-G-A. GRCh37 (hg19) VCF-style: chr3-42236405-G-A.
Other names: c.1085G>A, p.Arg362His (NM_001265608.2, NM_001349246.2, NM_001349247.2); c.863G>A, p.Arg288His (NM_001265609.2, NM_001265610.1, NM_001349248.1 and 1 more transcripts); c.773G>A, p.Arg258His (NM_001349245.1); c.911G>A, p.Arg304His (NM_001410741.1, NM_014965.5); short protein forms R288H, R258H, R362H, R304H.
Identifiers: ClinVar variation 2013230 (VCV002013230.4), dbSNP rs761561436, ClinGen allele CA2333364.